The following is an entry in ClinVar:

NM_000243.3(MEFV):c.1504G>A (p.Val502Ile)

Gene: MEFV (MEFV innate immunity regulator, pyrin; minus strand). Cytogenetic location: 16p13.3.
Variant type: single nucleotide variant.
Coding change: c.1504G>A on transcript NM_000243.3 (MANE Select); coding-DNA position 1504, G replaced by A.
Protein change: p.Val502Ile; replaces valine 502 with isoleucine.
Molecular consequence: missense variant.
Genome position (GRCh38, 1-based): chr16:3,247,099, C>T on the plus strand (G>A on the coding strand, the complement: MEFV is on the minus strand). VCF-style: chr16-3247099-C-T. GRCh37 (hg19) VCF-style: chr16-3297099-C-T.
Other names: c.871G>A, p.Val291Ile (NM_001198536.2); short protein forms V502I, V291I.
Identifiers: ClinVar variation 527800 (VCV000527800.13), dbSNP rs140462252, ClinGen allele CA7860114.

ClinVar aggregate classification (germline): Conflicting classifications of pathogenicity. Review status: criteria provided, conflicting classifications (1 of 4 stars). 7 submissions from 5 submitters: Uncertain significance (4); Likely benign (2). 1 of the submissions does not count toward it. Last evaluated 2024-05-09.

Conditions:
Acute febrile neutrophilic dermatosis (AFND). Also called: Sweet Syndrome; Gomm Button disease. Identifiers: Orphanet 3243, MedGen C0085077, MONDO:0011959, OMIM 608068.
Familial Mediterranean fever (FMF). Also called: POLYSEROSITIS, FAMILIAL PAROXYSMAL; POLYSEROSITIS, RECURRENT; Periodic peritonitis; Benign paroxysmal peritonitis. Identifiers: Orphanet 342, MedGen C0031069, MONDO:0018088, OMIM 249100. Disease mechanism: gain of function.
Familial Mediterranean fever, autosomal dominant. Also called: FMF, AUTOSOMAL DOMINANT; Dominant Familial Mediterranean Fever. Identifiers: Orphanet 342, MedGen C1851347, MONDO:0007601, OMIM 134610.

Allele frequency attached by ClinVar (database versions not stated): 1000 Genomes Project 30x 0.00047; ESP Exome Variant Server 0.00054; ExAC 0.00011; TOPMed 0.00024; gnomAD exomes 0.00006; 1000 Genomes Project 0.00040.
gnomAD v4.1: 117 of 1,614,164 alleles (0.0072%); highest among the groups gnomAD compares: African/African-American, 0.12%; no homozygotes.

Submissions (7):

ARUP Laboratories, Molecular Genetics and Genomics, ARUP Laboratories
Classification: Uncertain significance. Last evaluated: 2024-05-09. Review status: criteria provided, single submitter. Criteria: ARUP Molecular Germline Variant Investigation Process 2024. Collection method: clinical testing. Allele origin: germline.
Comment: The MEFV c.1504G>A; p.Val502Ile variant (rs140462252) is reported in the literature in one individual with a suspected auto inflammatory disease (Kirnaz 2022). This variant is also reported in ClinVar (Variation ID: 527800). This variant is found in the African/African-American population with an allele frequency of 0.08% (21/24,966 alleles) in the Genome Aggregation Database (v2.1.1). Computational analyses predict that this variant is neutral (REVEL: 0.099). Due to limited information, the clinical significance of this variant is uncertain at this time. References: Kirnaz B et al. MEFV gene allele frequency and genotype distribution in 3230 patients' analyses by next generation sequencing methods. Gene. 2022 Jun 15;827:146447. PMID: 35358658.

Fulgent Genetics
Classification: Uncertain significance for Familial Mediterranean fever, autosomal dominant; Familial Mediterranean fever; Acute febrile neutrophilic dermatosis. Last evaluated: 2024-04-19. Review status: criteria provided, single submitter. Criteria: ACMG Guidelines, 2015. Collection method: clinical testing. Allele origin: germline.

Genome-Nilou Lab
Classification: Uncertain significance for Familial Mediterranean fever. Last evaluated: 2023-02-08. Review status: criteria provided, single submitter. Criteria: ACMG Guidelines, 2015. Collection method: clinical testing. Allele origin: germline.

Genome-Nilou Lab
Classification: Likely benign for Familial Mediterranean fever, autosomal dominant. Last evaluated: 2023-02-08. Review status: criteria provided, single submitter. Criteria: ACMG Guidelines, 2015. Collection method: clinical testing. Allele origin: germline.

Genome-Nilou Lab
Classification: Likely benign for Acute febrile neutrophilic dermatosis. Last evaluated: 2023-02-08. Review status: criteria provided, single submitter. Criteria: ACMG Guidelines, 2015. Collection method: clinical testing. Allele origin: germline.

Labcorp Genetics (formerly Invitae), Labcorp
Classification: Uncertain significance for Familial Mediterranean fever. Last evaluated: 2022-07-19. Review status: criteria provided, single submitter. Criteria: Invitae Variant Classification Sherloc (09022015). Collection method: clinical testing. Allele origin: germline.
Comment: This sequence change replaces valine, which is neutral and non-polar, with isoleucine, which is neutral and non-polar, at codon 502 of the MEFV protein (p.Val502Ile). This variant is present in population databases (rs140462252, gnomAD 0.09%). This variant has not been reported in the literature in individuals affected with MEFV-related conditions. ClinVar contains an entry for this variant (Variation ID: 527800). Algorithms developed to predict the effect of missense changes on protein structure and function output the following: SIFT: "Tolerated"; PolyPhen-2: "Benign"; Align-GVGD: "Class C0". The isoleucine amino acid residue is found in multiple mammalian species, which suggests that this missense change does not adversely affect protein function. In summary, the available evidence is currently insufficient to determine the role of this variant in disease. Therefore, it has been classified as a Variant of Uncertain Significance.

Natera, Inc.
Classification: Uncertain significance for Familial Mediterranean fever. Last evaluated: 2019-10-28. Review status: no assertion criteria provided. Collection method: clinical testing. Allele origin: germline. Not counted in ClinVar's aggregate classification.